The following is an entry in ClinVar:

ClinVar aggregate classification (germline): Uncertain significance. Review status: criteria provided, multiple submitters, no conflicts (2 of 4 stars). 3 submissions from 3 submitters: Uncertain significance (3). Last evaluated 2024-01-09.

Conditions:
Hereditary cancer-predisposing syndrome. Also called: Hereditary neoplastic syndrome; Neoplastic Syndromes, Hereditary; Tumor predisposition; Hereditary Cancer Syndrome. Identifiers: Orphanet 140162, MedGen C0027672, MeSH D009386, MONDO:0015356.
Aplastic anemia. Identifiers: Orphanet 182040, Orphanet 88, MedGen C0002874, MONDO:0015909, OMIM 609135, HP:0001915.
Microcephaly, normal intelligence and immunodeficiency (NBS). Also called: IMMUNODEFICIENCY, MICROCEPHALY, AND CHROMOSOMAL INSTABILITY; SEEMANOVA SYNDROME II; Nijmegen breakage syndrome; Microcephaly with normal intelligence immunodeficiency and lymphoreticular malignancies; Nonsyndromal microcephaly autosomal recessive with normal intelligence; Seemanova syndrome 2. Identifiers: Orphanet 647, MedGen C0398791, MONDO:0009623, OMIM 251260.

Allele frequency attached by ClinVar (database versions not stated): gnomAD exomes below 0.00001.
gnomAD v4.1: 1 of 1,613,502 alleles (0.000062%); highest among the groups gnomAD compares: Non-Finnish European, 0.000085%; no homozygotes.

Submissions (3):

Baylor Genetics
Classification: Uncertain significance for Aplastic anemia. Last evaluated: 2024-01-09. Review status: criteria provided, single submitter. Criteria: ACMG Guidelines, 2015. Collection method: clinical testing. Allele origin: unknown.

Genome-Nilou Lab
Classification: Uncertain significance for Microcephaly, normal intelligence and immunodeficiency. Last evaluated: 2021-11-07. Review status: criteria provided, single submitter. Criteria: ACMG Guidelines, 2015. Collection method: clinical testing. Allele origin: germline. Affected: no.

Ambry Genetics
Classification: Uncertain significance for Hereditary cancer-predisposing syndrome. Last evaluated: 2017-03-30. Review status: criteria provided, single submitter. Criteria: Ambry Variant Classification Scheme 2023. Collection method: clinical testing. Allele origin: germline.
Comment: The p.D70E variant (also known as c.210T>G), located in coding exon 3 of the NBN gene, results from a T to G substitution at nucleotide position 210. The aspartic acid at codon 70 is replaced by glutamic acid, an amino acid with highly similar properties. This amino acid position is highly conserved in available vertebrate species. In addition, this alteration is predicted to be deleterious by in silico analysis. Since supporting evidence is limited at this time, the clinical significance of this alteration remains unclear.

NM_002485.5(NBN):c.210T>G (p.Asp70Glu)

Gene: NBN (nibrin; minus strand). Cytogenetic location: 8q21.3.
Variant type: single nucleotide variant.
Coding change: c.210T>G on transcript NM_002485.5 (MANE Select); coding-DNA position 210, T replaced by G.
Protein change: p.Asp70Glu; replaces aspartic acid 70 with glutamic acid.
Molecular consequence: missense variant. On other transcripts: 5 prime UTR variant (1).
Genome position (GRCh38, 1-based): chr8:89,981,485, A>C on the plus strand (T>G on the coding strand, the complement: NBN is on the minus strand). VCF-style: chr8-89981485-A-C. GRCh37 (hg19) VCF-style: chr8-90993713-A-C.
Other names: c.-37T>G (NM_001024688.3); short protein forms D70E.
Identifiers: ClinVar variation 480061 (VCV000480061.13), dbSNP rs1554568357, ClinGen allele CA371662564.
Genomic context (GRCh38, chr8:89,981,485, plus strand): 5'-AGTTCGGGAAAAGCCATTCTGCATTTTTTCCTCATTAACAAAGGTACCATACTTAGAATT[A>C]TCTTTTAATGTCAATACAGGGATTTCATCTGTTTGACTCTGAAAAGTTAGCAAATAATTT-3'
Protein context (NP_002476.2, residues 60-80): TDEIPVLTLK[Asp70Glu]NSKYGTFVNE